The following is an entry in ClinVar:

NM_198578.4(LRRK2):c.6566A>G (p.Tyr2189Cys)

Gene: LRRK2 (leucine rich repeat kinase 2; plus strand). Cytogenetic location: 12q12.
Variant type: single nucleotide variant.
Coding change: c.6566A>G on transcript NM_198578.4 (MANE Select); coding-DNA position 6566, A replaced by G.
Protein change: p.Tyr2189Cys; replaces tyrosine 2189 with cysteine.
Molecular consequence: missense variant.
Genome position (GRCh38, 1-based): chr12:40,351,723, A>G. VCF-style: chr12-40351723-A-G. GRCh37 (hg19) VCF-style: chr12-40745525-A-G.
Other names: short protein forms Y2189C.
Identifiers: ClinVar variation 39229 (VCV000039229.37), dbSNP rs35658131, ClinGen allele CA343667.

ClinVar aggregate classification (germline): Conflicting classifications of pathogenicity. Review status: criteria provided, conflicting classifications (1 of 4 stars). 8 submissions from 8 submitters: Uncertain significance (5); Benign (1); Likely benign (1). 1 of the submissions does not count toward it. Last evaluated 2025-12-19.

Conditions:
Autosomal dominant Parkinson disease 8. Also called: LRRK2-Related Parkinson Disease; Parkinson disease 8; Parkinson disease 8, susceptibility to. Identifiers: Orphanet 411602, MedGen C1846862, MONDO:0011764, OMIM 607060.

Allele frequency attached by ClinVar (database versions not stated): ESP Exome Variant Server 0.00015; gnomAD exomes 0.00025 and 0.00035; ExAC 0.00042; gnomAD 0.00051 and 0.00055; 1000 Genomes Project 0.00060; TOPMed 0.00076; 1000 Genomes Project 30x 0.00078.
gnomAD v4.1: 452 of 1,614,190 alleles (0.028%); highest among the groups gnomAD compares: Admixed American, 0.18%; no homozygotes.

Submissions (8):

Labcorp Genetics (formerly Invitae), Labcorp
Classification: Likely benign for Autosomal dominant Parkinson disease 8. Last evaluated: 2025-12-19. Review status: criteria provided, single submitter. Criteria: Invitae Variant Classification Sherloc (09022015). Collection method: clinical testing. Allele origin: germline.

CeGaT Center for Human Genetics Tuebingen
Classification: Benign. Last evaluated: 2024-04-01. Review status: criteria provided, single submitter. Criteria: CeGaT Center For Human Genetics Tuebingen Variant Classification Criteria Version 2. Collection method: clinical testing. Allele origin: germline. Affected: yes. Observed: 1 variant allele.
Comment: LRRK2: BP4, BS1, BS2

GeneDx
Classification: Uncertain significance. Last evaluated: 2024-01-09. Review status: criteria provided, single submitter. Criteria: GeneDx Variant Classification Process June 2021. Collection method: clinical testing. Allele origin: germline. Affected: yes.
Comment: In silico analysis supports that this missense variant does not alter protein structure/function; This variant is associated with the following publications: (PMID: 34426522, 18197194, 30635421, 24470158, 20721913, 25821816, 35950872, 24488318, 21885347)

Fulgent Genetics
Classification: Uncertain significance for Autosomal dominant Parkinson disease 8. Last evaluated: 2021-11-25. Review status: criteria provided, single submitter. Criteria: ACMG Guidelines, 2015. Collection method: clinical testing. Allele origin: unknown.

Department of Pathology and Laboratory Medicine, Sinai Health System
Classification: Uncertain significance for Autosomal dominant Parkinson disease 8. Last evaluated: 2020-08-11. Review status: criteria provided, single submitter. Criteria: ACMG Guidelines, 2015. Collection method: research. Allele origin: germline.

Mendelics
Classification: Uncertain significance for Autosomal dominant Parkinson disease 8. Last evaluated: 2019-05-28. Review status: criteria provided, single submitter. Criteria: Mendelics Assertion Criteria 2017. Collection method: clinical testing. Allele origin: unknown.

Illumina Laboratory Services, Illumina
Classification: Uncertain significance for Autosomal dominant Parkinson disease 8. Last evaluated: 2017-04-27. Review status: criteria provided, single submitter. Criteria: ICSL Variant Classification Criteria 13 December 2019. Collection method: clinical testing. Allele origin: germline.
Comment: This variant was observed as part of a predisposition screen in an ostensibly healthy population. A literature search was performed for the gene, cDNA change, and amino acid change (where applicable). Publications were found based on this search. However, the evidence from the literature, in combination with allele frequency data from public databases where available, was not sufficient to rule this variant in or out of causing disease. Therefore, this variant is classified as a variant of unknown significance.

GeneReviews
No classification provided. Condition: Autosomal dominant Parkinson disease 8. Review status: no classification provided. Collection method: literature only. Allele origin: unknown. Not counted in ClinVar's aggregate classification.

Literature cited by the submitters: PubMed 25821816 (cited by Illumina Laboratory Services, Illumina); PubMed 18197194 (cited by Illumina Laboratory Services, Illumina); PubMed 20721913 (cited by Illumina Laboratory Services, Illumina); PubMed 20443975 (cited by Illumina Laboratory Services, Illumina); PubMed 21885347 (cited by Illumina Laboratory Services, Illumina); PubMed 24488318 (cited by Illumina Laboratory Services, Illumina); PubMed 20301387 (cited by GeneReviews); NCBI Bookshelf NBK1208 (cited by GeneReviews).